The following is an entry in ClinVar:

ClinVar aggregate classification (germline): Pathogenic (1 of 4 stars; one submission).

Submission:

Mayo Clinic Laboratories, Mayo Clinic
Classification: Pathogenic. Last evaluated: 2025-06-02. Review status: criteria provided, single submitter. Criteria: ACMG Guidelines, 2015. Collection method: clinical testing. Allele origin: germline. Observed: 1 variant allele.
Comment: PP3_strong, PM2_supporting, PS1

Literature cited by the submitters: PubMed 12884082; PubMed 15519272; PubMed 16012956; PubMed 16377077; PubMed 21044052; PubMed 23045960; PubMed 34050268; PubMed 34150028; PubMed 36406324.

NM_000392.5(ABCC2):c.2026G>A (p.Gly676Arg)

Gene: ABCC2 (ATP binding cassette subfamily C member 2; plus strand). Cytogenetic location: 10q24.2.
Variant type: single nucleotide variant.
Coding change: c.2026G>A on transcript NM_000392.5 (MANE Select); coding-DNA position 2026, G replaced by A.
Protein change: p.Gly676Arg; replaces glycine 676 with arginine.
Molecular consequence: missense variant.
Genome position (GRCh38, 1-based): chr10:99,813,076, G>A. VCF-style: chr10-99813076-G-A. GRCh37 (hg19) VCF-style: chr10-101572833-G-A.
Other names: p.Gly676Arg; short protein forms G676R.
Identifiers: ClinVar variation 4541567 (VCV004541567.1).